The following is an entry in ClinVar:

ClinVar aggregate classification (germline): Uncertain significance (1 of 4 stars; one submission).

gnomAD v4.1: 2 of 1,599,560 alleles (0.00013%); highest among the groups gnomAD compares: South Asian, 0.0011%; no homozygotes.

Submission:

Women's Health and Genetics/Laboratory Corporation of America, LabCorp
Classification: Uncertain significance. Last evaluated: 2025-12-08. Review status: criteria provided, single submitter. Criteria: LabCorp Variant Classification Summary - May 2015. Collection method: clinical testing. Allele origin: germline.
Comment: Variant summary: MYO7A c.3475G>C (p.Gly1159Arg) results in a non-conservative amino acid change in the encoded protein sequence. Algorithms developed to predict the effect of missense changes on protein structure and function all suggest that this variant is likely to be disruptive. The variant was absent in 224360 control chromosomes. The available data on variant occurrences in the general population are insufficient to allow any conclusion about variant significance. To our knowledge, no occurrence of c.3475G>C in individuals affected with MYO7A-related conditions and no experimental evidence demonstrating its impact on protein function have been reported. A different variant affecting the same codon has been classified as pathogenic by our lab (c.3476G>T, p.Gly1159Val), supporting the critical relevance of codon 1159 to MYO7A protein function. No submitters have cited clinical-significance assessments for this variant to ClinVar. Based on the evidence outlined above, the variant was classified as uncertain significance.

NM_000260.4(MYO7A):c.3475G>C (p.Gly1159Arg)

Gene: MYO7A (myosin VIIA; plus strand). Cytogenetic location: 11q13.5.
Variant type: single nucleotide variant.
Coding change: c.3475G>C on transcript NM_000260.4 (MANE Select); coding-DNA position 3475, G replaced by C.
Protein change: p.Gly1159Arg; replaces glycine 1159 with arginine.
Molecular consequence: missense variant.
Genome position (GRCh38, 1-based): chr11:77,184,687, G>C. VCF-style: chr11-77184687-G-C. GRCh37 (hg19) VCF-style: chr11-76895732-G-C.
Other names: c.3475G>C, p.Gly1159Arg (NM_001127180.2); c.3442G>C, p.Gly1148Arg (NM_001369365.1); short protein forms G1148R, G1159R.
Identifiers: ClinVar variation 4688496 (VCV004688496.1).
Genomic context (GRCh38, chr11:77,184,687, plus strand): 5'-GGCAACAGCATGCTGGAGGACCGGCCCACCTCCAACCTGGAGAAGCTGCACTTCATCATC[G>C]GCAATGGCATCCTGCGGCCAGCACTCCGGTCAGTGCCGGGAGGCGGGGACACCAGGGCCT-3'
Protein context (NP_000251.3, residues 1149-1169): SNLEKLHFII[Gly1159Arg]NGILRPALRD